The following is an entry in ClinVar:

ClinVar aggregate classification (germline): Uncertain significance (1 of 4 stars; one submission).

Submission:

Labcorp Genetics (formerly Invitae), Labcorp
Classification: Uncertain significance. Last evaluated: 2021-08-03. Review status: criteria provided, single submitter. Criteria: Invitae Variant Classification Sherloc (09022015). Collection method: clinical testing. Allele origin: germline.
Comment: In summary, the available evidence is currently insufficient to determine the role of this variant in disease. Therefore, it has been classified as a Variant of Uncertain Significance. Advanced modeling of protein sequence and biophysical properties (such as structural, functional, and spatial information, amino acid conservation, physicochemical variation, residue mobility, and thermodynamic stability) performed at Invitae indicates that this missense variant is not expected to disrupt MTOR protein function. This variant has not been reported in the literature in individuals affected with MTOR-related conditions. This variant is not present in population databases (ExAC no frequency). This sequence change replaces lysine with asparagine at codon 2045 of the MTOR protein (p.Lys2045Asn). The lysine residue is moderately conserved and there is a moderate physicochemical difference between lysine and asparagine.

NM_004958.4(MTOR):c.6135A>C (p.Lys2045Asn)

Gene: MTOR (mechanistic target of rapamycin kinase; minus strand). Cytogenetic location: 1p36.22.
Variant type: single nucleotide variant.
Coding change: c.6135A>C on transcript NM_004958.4 (MANE Select); coding-DNA position 6135, A replaced by C.
Protein change: p.Lys2045Asn; replaces lysine 2045 with asparagine.
Molecular consequence: missense variant.
Genome position (GRCh38, 1-based): chr1:11,127,705, T>G on the plus strand (A>C on the coding strand, the complement: MTOR is on the minus strand). VCF-style: chr1-11127705-T-G. GRCh37 (hg19) VCF-style: chr1-11187762-T-G.
Other names: c.6135A>C, p.Lys2045Asn (NM_001386500.1); c.4887A>C, p.Lys1629Asn (NM_001386501.1); short protein forms K1629N, K2045N.
Identifiers: ClinVar variation 1510037 (VCV001510037.6), dbSNP rs2100407873, ClinGen allele CA338393606.
Genomic context (GRCh38, chr1:11,127,705, plus strand): 5'-CAGAGTCTGGGGGCCCCGTTCCATCATAGCATGCAAGGGCTCCAGCACCTCAAACATGCC[T>G]TTCACGTTCCTTTCCCCAAAGTACAAACGAGATGCCTCTTCCAGGCCTTCATGCCACATC-3'
Protein context (NP_004949.1, residues 2035-2055): SRLYFGERNV[Lys2045Asn]GMFEVLEPLH